The following is an entry in ClinVar:

ClinVar aggregate classification (germline): Uncertain significance (1 of 4 stars; one submission).

Submission:

ISCA site 4
Classification: Uncertain significance. Last evaluated: 2011-08-12. Review status: criteria provided, single submitter. Criteria: Kaminsky et al. (Genet Med. 2011). Collection method: clinical testing. Allele origin: unknown. Affected: yes. Observed: 1 variant allele.
Comment: Copy number variation identified through the course of routine clinical cytogenomic testing in postnatal populations. Clinical assertions have been curated as described in Kaminsky et al. 2011.

GRCh38/hg38 14q21.3-22.1(chr14:50091150-51777325)x3

Genes: ABHD12B (abhydrolase domain containing 12B; plus strand), ATL1 (atlastin GTPase 1; plus strand), CDKL1 (cyclin dependent kinase like 1; minus strand), DMAC2L (distal membrane arm assembly component 2 like; plus strand), FRMD6 (FERM domain containing 6; plus strand) and 67 more. Cytogenetic location: 14q21.3-22.1.
Variant type: copy number gain.
Change: copy number 3 (three copies instead of two) of chr14:50,091,150-51,777,325 (1.69 Mb, GRCh38 coordinates, 1-based), cytogenetic band 14q21.3-22.1.
Identifiers: ClinVar variation 58307 (VCV000058307.1).